The following is an entry in ClinVar:

ClinVar aggregate classification (germline): Uncertain significance. Review status: criteria provided, multiple submitters, no conflicts (2 of 4 stars). 2 submissions from 2 submitters: Uncertain significance (2). Last evaluated 2025-11-04.

Conditions:
Intellectual developmental disorder, X-linked 1. Also called: Atkin Flaitz Patil Smith syndrome; MENTAL RETARDATION, X-LINKED 18; MENTAL RETARDATION, X-LINKED 78; Intellectual disability, X-linked 1. Identifiers: Orphanet 777, MedGen C2931498, MONDO:0010656, OMIM 309530.

Submissions (2):

Labcorp Genetics (formerly Invitae), Labcorp
Classification: Uncertain significance for Intellectual developmental disorder, X-linked 1. Last evaluated: 2025-11-04. Review status: criteria provided, single submitter. Criteria: Invitae Variant Classification Sherloc (09022015). Collection method: clinical testing. Allele origin: germline.
Comment: This sequence change replaces valine, which is neutral and non-polar, with methionine, which is neutral and non-polar, at codon 154 of the IQSEC2 protein (p.Val154Met). This variant is not present in population databases (gnomAD no frequency). This variant has not been reported in the literature in individuals affected with IQSEC2-related conditions. ClinVar contains an entry for this variant (Variation ID: 855461). Invitae Evidence Modeling of protein sequence and biophysical properties (such as structural, functional, and spatial information, amino acid conservation, physicochemical variation, residue mobility, and thermodynamic stability) indicates that this missense variant is not expected to disrupt IQSEC2 protein function with a negative predictive value of 95%. In summary, the available evidence is currently insufficient to determine the role of this variant in disease. Therefore, it has been classified as a Variant of Uncertain Significance.

GeneDx
Classification: Uncertain significance. Last evaluated: 2022-06-18. Review status: criteria provided, single submitter. Criteria: GeneDx Variant Classification Process June 2021. Collection method: clinical testing. Allele origin: germline. Affected: yes.
Comment: Not observed at significant frequency in large population cohorts (gnomAD); In silico analysis supports that this missense variant does not alter protein structure/function; Has not been previously published as pathogenic or benign to our knowledge

NM_001111125.3(IQSEC2):c.460G>A (p.Val154Met)

Gene: IQSEC2 (IQ motif and Sec7 domain ArfGEF 2; minus strand). Cytogenetic location: Xp11.22.
Variant type: single nucleotide variant.
Coding change: c.460G>A on transcript NM_001111125.3 (MANE Select); coding-DNA position 460, G replaced by A.
Protein change: p.Val154Met; replaces valine 154 with methionine.
Molecular consequence: missense variant.
Genome position (GRCh38, 1-based): chrX:53,320,664, C>T on the plus strand (G>A on the coding strand, the complement: IQSEC2 is on the minus strand). VCF-style: chrX-53320664-C-T. GRCh37 (hg19) VCF-style: chrX-53349862-C-T.
Other names: short protein forms V154M.
Identifiers: ClinVar variation 855461 (VCV000855461.11), dbSNP rs2075421767, ClinGen allele CA413239295.
Genomic context (GRCh38, chrX:53,320,664, plus strand): 5'-CCCGCCCGCCACGCTCGCGACCCAGGGCTGGGTTCTCGTGGTGCAGGTGGCACTGGGCCA[C>T]GTCACGCTCGCGGGCTGTGTAACCGGTAGTGTCCTGGAGCGGGTAGGAGGCGTCCCGCTC-3'
Protein context (NP_001104595.1, residues 144-164): TTGYTARERD[Val154Met]AQCHLHHENP